The following is an entry in ClinVar:

ClinVar aggregate classification (germline): Uncertain significance (1 of 4 stars; one submission).

gnomAD v4.1: 2 of 1,610,410 alleles (0.00012%); highest among the groups gnomAD compares: Non-Finnish European, 0.000085%; no homozygotes.

Submission:

Labcorp Genetics (formerly Invitae), Labcorp
Classification: Uncertain significance. Last evaluated: 2024-02-24. Review status: criteria provided, single submitter. Criteria: Invitae Variant Classification Sherloc (09022015). Collection method: clinical testing. Allele origin: germline.
Comment: This sequence change replaces aspartic acid, which is acidic and polar, with asparagine, which is neutral and polar, at codon 365 of the NBAS protein (p.Asp365Asn). This variant is not present in population databases (gnomAD no frequency). This variant has not been reported in the literature in individuals affected with NBAS-related conditions. ClinVar contains an entry for this variant (Variation ID: 1428310). Advanced modeling of protein sequence and biophysical properties (such as structural, functional, and spatial information, amino acid conservation, physicochemical variation, residue mobility, and thermodynamic stability) performed at Invitae indicates that this missense variant is not expected to disrupt NBAS protein function with a negative predictive value of 95%. Algorithms developed to predict the effect of sequence changes on RNA splicing suggest that this variant may disrupt the consensus splice site. In summary, the available evidence is currently insufficient to determine the role of this variant in disease. Therefore, it has been classified as a Variant of Uncertain Significance.

NM_015909.4(NBAS):c.1093G>A (p.Asp365Asn)

Gene: NBAS (NBAS subunit of NRZ tethering complex; minus strand). Cytogenetic location: 2p24.3.
Variant type: single nucleotide variant.
Coding change: c.1093G>A on transcript NM_015909.4 (MANE Select); coding-DNA position 1093, G replaced by A.
Protein change: p.Asp365Asn; replaces aspartic acid 365 with asparagine.
Molecular consequence: missense variant. On other transcripts: non-coding transcript variant (1).
Genome position (GRCh38, 1-based): chr2:15,478,280, C>T on the plus strand (G>A on the coding strand, the complement: NBAS is on the minus strand). VCF-style: chr2-15478280-C-T. GRCh37 (hg19) VCF-style: chr2-15618404-C-T.
Other names: short protein forms D365N.
Identifiers: ClinVar variation 1428310 (VCV001428310.4), dbSNP rs76459791, ClinGen allele CA345892730.
Genomic context (GRCh38, chr2:15,478,280, plus strand): 5'-ACTCACCTTTGATTTTTTTTCTCTTCTCAGTAGAGAGCCTCCAATCAGGATTAAGGTCAT[C>T]ATAGCCTGGCTAAATATGAAAATAATGACTTCCTGAGTGAACTATGTAAGAAAATTATAA-3'
Protein context (NP_056993.2, residues 355-375): EWGQNEQPGY[Asp365Asn]DLNPDWRLST